The following is an entry in ClinVar:

ClinVar aggregate classification (germline): Uncertain significance (1 of 4 stars; one submission).

Conditions:
Emery-Dreifuss muscular dystrophy 5, autosomal dominant (EDMD5). Also called: EMERY-DREIFUSS MUSCULAR DYSTROPHY 5. Identifiers: Orphanet 261, MedGen C2751805, MONDO:0013072, OMIM 612999.

Allele frequency attached by ClinVar (database versions not stated): TOPMed below 0.00001.

Submission:

Labcorp Genetics (formerly Invitae), Labcorp
Classification: Uncertain significance for Emery-Dreifuss muscular dystrophy 5, autosomal dominant. Last evaluated: 2022-07-29. Review status: criteria provided, single submitter. Criteria: Invitae Variant Classification Sherloc (09022015). Collection method: clinical testing. Allele origin: germline.
Comment: This sequence change replaces histidine, which is basic and polar, with arginine, which is basic and polar, at codon 5750 of the SYNE2 protein (p.His5750Arg). This variant is not present in population databases (gnomAD no frequency). This variant has not been reported in the literature in individuals affected with SYNE2-related conditions. Algorithms developed to predict the effect of missense changes on protein structure and function output the following: SIFT: "Tolerated"; PolyPhen-2: "Benign"; Align-GVGD: "Class C0". The arginine amino acid residue is found in multiple mammalian species, which suggests that this missense change does not adversely affect protein function. In summary, the available evidence is currently insufficient to determine the role of this variant in disease. Therefore, it has been classified as a Variant of Uncertain Significance.

NM_182914.3(SYNE2):c.17249A>G (p.His5750Arg)

Gene: SYNE2 (spectrin repeat containing nuclear envelope protein 2; plus strand). Cytogenetic location: 14q23.2.
Variant type: single nucleotide variant.
Coding change: c.17249A>G on transcript NM_182914.3 (MANE Select); coding-DNA position 17249, A replaced by G.
Protein change: p.His5750Arg; replaces histidine 5750 with arginine.
Molecular consequence: missense variant.
Genome position (GRCh38, 1-based): chr14:64,174,957, A>G. VCF-style: chr14-64174957-A-G. GRCh37 (hg19) VCF-style: chr14-64641675-A-G.
Other names: c.17249A>G, p.His5750Arg (NM_015180.6); short protein forms H5750R.
Identifiers: ClinVar variation 1714197 (VCV001714197.5), dbSNP rs2098426895, ClinGen allele CA389980247.